The following is an entry in ClinVar:

ClinVar aggregate classification (germline): Conflicting classifications of pathogenicity. Review status: criteria provided, conflicting classifications (1 of 4 stars). 4 submissions from 4 submitters: Likely pathogenic (2); Uncertain significance (1). 1 of the submissions does not count toward it. Last evaluated 2026-06-01.

Conditions:
Leukodystrophy, hypomyelinating, 10. Also called: PYCR2-related microcephaly-progressive leukoencephalopathy. Identifiers: Orphanet 481152, MedGen C4225332, MONDO:0014632, OMIM 616420.

Allele frequency attached by ClinVar (database versions not stated): TOPMed 0.00002.

Submissions (4):

CeGaT Center for Human Genetics Tuebingen
Classification: Likely pathogenic. Last evaluated: 2026-06-01. Review status: criteria provided, single submitter. Criteria: CeGaT Center For Human Genetics Tuebingen Variant Classification Criteria Version 2. Collection method: clinical testing. Allele origin: germline. Affected: yes. Observed: 3 variant alleles.
Comment: PYCR2: PM2, PM3, PM5, PP3

GeneDx
Classification: Uncertain significance. Last evaluated: 2024-12-12. Review status: criteria provided, single submitter. Criteria: GeneDx Variant Classification Process June 2021. Collection method: clinical testing. Allele origin: germline. Affected: yes.
Comment: Identified in the presence of a second PYCR2 variant, phase unknown, in a patient with clinical features consistent with PYCR2-related hypomyelinating leukodystrophy in published literature (PMID: 35012964); In silico analysis supports that this missense variant has a deleterious effect on protein structure/function; Also known as c.373C>T, p.(Arg125Trp); This variant is associated with the following publications: (PMID: 27130255, 37563452, 35012964)

Revvity Omics, Revvity
Classification: Likely pathogenic for Leukodystrophy, hypomyelinating, 10. Last evaluated: 2020-03-19. Review status: criteria provided, single submitter. Criteria: ACMG Guidelines, 2015. Collection method: clinical testing. Allele origin: germline.

OMIM
Classification: Pathogenic for LEUKODYSTROPHY, HYPOMYELINATING, 10. Last evaluated: 2016-09-16. Review status: no assertion criteria provided. Collection method: literature only. Allele origin: germline. Not counted in ClinVar's aggregate classification.

Literature cited by the submitters: PubMed 27130255 (cited by OMIM).

NM_013328.4(PYCR2):c.595C>T (p.Arg199Trp)

Gene: PYCR2 (pyrroline-5-carboxylate reductase 2; minus strand). Cytogenetic location: 1q42.12.
Variant type: single nucleotide variant.
Coding change: c.595C>T on transcript NM_013328.4 (MANE Select); coding-DNA position 595, C replaced by T.
Protein change: p.Arg199Trp; replaces arginine 199 with tryptophan.
Molecular consequence: missense variant.
Genome position (GRCh38, 1-based): chr1:225,921,590, G>A on the plus strand (C>T on the coding strand, the complement: PYCR2 is on the minus strand). VCF-style: chr1-225921590-G-A. GRCh37 (hg19) VCF-style: chr1-226109290-G-A.
Other names: c.373C>T, p.Arg125Trp (NM_001271681.2); short protein forms R199W, R125W.
Identifiers: ClinVar variation 254249 (VCV000254249.10), dbSNP rs758595075, ClinGen allele CA1420164.
Genomic context (GRCh38, chr1:225,921,590, plus strand): 5'-CATGCGGGGGAAAGATACTGACCAGCAAAGCCTGGGCCCCGAGTTGGATTGCCAGGCGCC[G>A]TGGCAAACCCATCTTCACCCCACCATCAGCCAATGCGTCCAGAGCCATGAATGCCTGTGG-3'
Protein context (NP_037460.2, residues 189-209): ADGGVKMGLP[Arg199Trp]RLAIQLGAQA